The following is an entry in ClinVar:

ClinVar aggregate classification (germline): Conflicting classifications of pathogenicity. Review status: criteria provided, conflicting classifications (1 of 4 stars). 5 submissions from 5 submitters: Uncertain significance (2); Benign (1); Likely benign (1). 1 of the submissions does not count toward it. Last evaluated 2025-11-10.

Conditions:
RELN-related disorder. Also called: RELN-related condition.
Norman-Roberts syndrome (LIS2). Also called: Lissencephaly 2 (Norman-Roberts type). Identifiers: Orphanet 89844, MedGen C0796089, MONDO:0009760, OMIM 257320.
Familial temporal lobe epilepsy 7. Identifiers: Orphanet 101046, MedGen C4225327, MONDO:0014639, OMIM 616436.

Allele frequency attached by ClinVar (database versions not stated): 1000 Genomes Project 30x 0.00016; 1000 Genomes Project 0.00020; TOPMed 0.00048; gnomAD 0.00053 and 0.00056; ESP Exome Variant Server 0.00069.
gnomAD v4.1: 137 of 1,612,762 alleles (0.0085%); highest among the groups gnomAD compares: African/African-American, 0.17%; 1 homozygote.

Submissions (5):

Labcorp Genetics (formerly Invitae), Labcorp
Classification: Likely benign for Familial temporal lobe epilepsy 7; Norman-Roberts syndrome. Last evaluated: 2025-11-10. Review status: criteria provided, single submitter. Criteria: Invitae Variant Classification Sherloc (09022015). Collection method: clinical testing. Allele origin: germline.

Women's Health and Genetics/Laboratory Corporation of America, LabCorp
Classification: Benign. Last evaluated: 2024-10-10. Review status: criteria provided, single submitter. Criteria: LabCorp Variant Classification Summary - May 2015. Collection method: clinical testing. Allele origin: germline.
Comment: Variant summary: RELN c.3147-4A>G alters a nucleotide located close to a canonical splice site and therefore could affect mRNA splicing, leading to a significantly altered protein sequence. The variant allele was found at a frequency of 0.00012 in 250704 control chromosomes, predominantly at a frequency of 0.0017 within the African or African-American subpopulation in the gnomAD database. The observed variant frequency within African or African-American control individuals in the gnomAD database exceeds the estimated maximal expected allele frequency for a pathogenic variant in RELN causing Epilepsy Familial Temporal Lobe 7 phenotype. To our knowledge, no occurrence of c.3147-4A>G in individuals affected with Epilepsy Familial Temporal Lobe 7 and no experimental evidence demonstrating its impact on protein function have been reported. ClinVar contains an entry for this variant (Variation ID: 498083). Based on the evidence outlined above, the variant was classified as benign.

Athena Diagnostics
Classification: Uncertain significance. Last evaluated: 2017-08-31. Review status: criteria provided, single submitter. Criteria: Athena Diagnostics Criteria. Collection method: clinical testing. Allele origin: germline.

Eurofins Ntd Llc (ga)
Classification: Uncertain significance. Last evaluated: 2016-11-15. Review status: criteria provided, single submitter. Criteria: EGL Classification Definitions 2015. Collection method: clinical testing. Allele origin: germline. Observed: 2 variant alleles, 2 heterozygotes.

PreventionGenetics, part of Exact Sciences
Classification: Likely benign for RELN-related condition. Last evaluated: 2022-03-31. Review status: no assertion criteria provided. Collection method: clinical testing. Allele origin: germline. Not counted in ClinVar's aggregate classification.
Comment: This variant is classified as likely benign based on ACMG/AMP sequence variant interpretation guidelines (Richards et al. 2015 PMID: 25741868, with internal and published modifications).

NM_005045.4(RELN):c.3147-4A>G

Gene: RELN (reelin; minus strand). Cytogenetic location: 7q22.1.
Variant type: single nucleotide variant.
Coding change: c.3147-4A>G on transcript NM_005045.4 (MANE Select); 4 bases into the intron before coding-DNA position 3147, A replaced by G.
Molecular consequence: intron variant.
Genome position (GRCh38, 1-based): chr7:103,603,494, T>C on the plus strand (A>G on the coding strand, the complement: RELN is on the minus strand). VCF-style: chr7-103603494-T-C. GRCh37 (hg19) VCF-style: chr7-103243941-T-C.
Other names: c.3147-4A>G (NM_173054.3).
Identifiers: ClinVar variation 498083 (VCV000498083.19), dbSNP rs375230548, ClinGen allele CA4421823.